The following is an entry in ClinVar:

NM_018993.4(RIN2):c.-36-285A>G

Gene: RIN2 (Ras and Rab interactor 2; plus strand). Cytogenetic location: 20p11.23.
Variant type: single nucleotide variant.
Coding change: c.-36-285A>G on transcript NM_018993.4 (MANE Select); 285 bases into the intron before 36 bases upstream of the start codon, A replaced by G.
Molecular consequence: intron variant.
Genome position (GRCh38, 1-based): chr20:19,889,281, A>G. VCF-style: chr20-19889281-A-G. GRCh37 (hg19) VCF-style: chr20-19869925-A-G.
Other names: c.-581-285A>G (NM_001378238.1); c.112-285A>G (NM_001242581.2).
Identifiers: ClinVar variation 683999 (VCV000683999.2), dbSNP rs183148386, ClinGen allele CA312907489.

ClinVar aggregate classification (germline): Likely benign. Review status: criteria provided, multiple submitters, no conflicts (2 of 4 stars). 2 submissions from 2 submitters: Likely benign (2). Last evaluated 2018-06-14.

Allele frequency attached by ClinVar (database versions not stated): 1000 Genomes Project 0.00659; 1000 Genomes Project 30x 0.00671; TOPMed 0.01173; gnomAD 0.01198 and 0.01199; gnomAD exomes 0.01631.
gnomAD v4.1: 17,394 of 1,105,664 alleles (1.6%); highest among the groups gnomAD compares: Middle Eastern, 2.2%; 150 homozygotes.

Submissions (2):

GeneDx
Classification: Likely benign. Last evaluated: 2018-06-14. Review status: criteria provided, single submitter. Criteria: GeneDx Variant Classification (06012015). Collection method: clinical testing. Allele origin: germline. Affected: yes.
Comment: This variant is considered likely benign or benign based on one or more of the following criteria: it is a conservative change, it occurs at a poorly conserved position in the protein, it is predicted to be benign by multiple in silico algorithms, and/or has population frequency not consistent with disease.

Breakthrough Genomics
Classification: Likely benign. Review status: criteria provided, single submitter. Criteria: ACMG Guidelines, 2015. Collection method: not provided. Allele origin: germline. Inheritance: Autosomal recessive inheritance. Affected: yes.